The following is an entry in ClinVar:

NM_015443.4(KANSL1):c.191G>A (p.Arg64Gln)

Gene: KANSL1 (KAT8 regulatory NSL complex subunit 1). Cytogenetic location: 17q21.31.
Variant type: single nucleotide variant.
Coding change: c.191G>A on transcript NM_015443.4 (MANE Select); coding-DNA position 191, G replaced by A.
Protein change: p.Arg64Gln; replaces arginine 64 with glutamine.
Molecular consequence: missense variant.
Genome position (GRCh38, 1-based): chr17:46,171,953, C>T on the plus strand (G>A on the coding strand, the complement: KANSL1 is on the minus strand). VCF-style: chr17-46171953-C-T. GRCh37 (hg19) VCF-style: chr17-44249319-C-T.
Other names: c.191G>A, p.Arg64Gln (NM_001193465.2, NM_001193466.2, NM_001379198.1); short protein forms R64Q.
Identifiers: ClinVar variation 382152 (VCV000382152.8), dbSNP rs752415137, ClinGen allele CA8619096.

ClinVar aggregate classification (germline): Conflicting classifications of pathogenicity. Review status: criteria provided, conflicting classifications (1 of 4 stars). 3 submissions from 3 submitters: Uncertain significance (1); Likely benign (2). Last evaluated 2026-08-01.

Conditions:
Koolen-de Vries syndrome (KDVS). Identifiers: Orphanet 96169, MedGen C1864871, MONDO:0012496, OMIM 610443.

Allele frequency attached by ClinVar (database versions not stated): TOPMed 0.00002; gnomAD exomes 0.00003 and 0.00002; gnomAD 0.00001; ExAC 0.00002.
gnomAD v4.1: 43 of 1,614,164 alleles (0.0027%); highest among the groups gnomAD compares: Middle Eastern, 0.016%; no homozygotes.

Submissions (3):

CeGaT Center for Human Genetics Tuebingen
Classification: Likely benign. Last evaluated: 2026-08-01. Review status: criteria provided, single submitter. Criteria: CeGaT Center For Human Genetics Tuebingen Variant Classification Criteria Version 2. Collection method: clinical testing. Allele origin: germline. Affected: yes. Observed: 1 variant allele.
Comment: KANSL1: BP4, BS2

Labcorp Genetics (formerly Invitae), Labcorp
Classification: Uncertain significance for Koolen-de Vries syndrome. Last evaluated: 2021-09-17. Review status: criteria provided, single submitter. Criteria: Invitae Variant Classification Sherloc (09022015). Collection method: clinical testing. Allele origin: germline.
Comment: Due to the possible presence of a polymorphic segmental duplication, the location of the variant could not be unambiguously resolved. Variants with ambiguous mapping are still reported relative to the KANSL1 transcript. This sequence change replaces arginine with glutamine at codon 64 of the KANSL1 protein (p.Arg64Gln). The arginine residue is highly conserved and there is a small physicochemical difference between arginine and glutamine. The frequency data for this variant in the population databases (ExAC) is considered unreliable due to the presence of homologous sequence, such as pseudogenes or paralogs, in the genome. This variant has not been reported in the literature in individuals with KANSL1-related conditions. ClinVar contains an entry for this variant (Variation ID: 382152). Algorithms developed to predict the effect of missense changes on protein structure and function are either unavailable or do not agree on the potential impact of this missense change (SIFT: "Tolerated"; PolyPhen-2: "Probably Damaging"; Align-GVGD: "Class C0"). Until the location of this sequence change can be resolved, the clinical significance of this variant remains uncertain. It has been classified as a Variant of Uncertain Significance.

GeneDx
Classification: Likely benign. Last evaluated: 2015-12-04. Review status: criteria provided, single submitter. Criteria: GeneDx Variant Classification (06012015). Collection method: clinical testing. Allele origin: germline. Affected: yes.
Comment: This variant is considered likely benign or benign based on one or more of the following criteria: it is a conservative change, it occurs at a poorly conserved position in the protein, it is predicted to be benign by multiple in silico algorithms, and/or has population frequency not consistent with disease.